The following is an entry in ClinVar:

ClinVar aggregate classification (germline): Uncertain significance (1 of 4 stars; one submission).

Allele frequency attached by ClinVar (database versions not stated): TOPMed below 0.00001; ExAC 0.00001; gnomAD exomes 0.00001.
gnomAD v4.1: 13 of 1,614,124 alleles (0.00081%); highest among the groups gnomAD compares: Non-Finnish European, 0.00068%; no homozygotes.

Submission:

Labcorp Genetics (formerly Invitae), Labcorp
Classification: Uncertain significance. Last evaluated: 2022-12-31. Review status: criteria provided, single submitter. Criteria: Invitae Variant Classification Sherloc (09022015). Collection method: clinical testing. Allele origin: germline.
Comment: Advanced modeling of protein sequence and biophysical properties (such as structural, functional, and spatial information, amino acid conservation, physicochemical variation, residue mobility, and thermodynamic stability) has been performed at Invitae for this missense variant, however the output from this modeling did not meet the statistical confidence thresholds required to predict the impact of this variant on TUFM protein function. In summary, the available evidence is currently insufficient to determine the role of this variant in disease. Therefore, it has been classified as a Variant of Uncertain Significance. This variant has not been reported in the literature in individuals affected with TUFM-related conditions. This sequence change replaces glycine, which is neutral and non-polar, with serine, which is neutral and polar, at codon 159 of the TUFM protein (p.Gly159Ser). This variant is present in population databases (rs748583942, gnomAD 0.0009%).

NM_003321.5(TUFM):c.475G>A (p.Gly159Ser)

Gene: TUFM (Tu translation elongation factor, mitochondrial; minus strand). Cytogenetic location: 16p11.2.
Variant type: single nucleotide variant.
Coding change: c.475G>A on transcript NM_003321.5 (MANE Select); coding-DNA position 475, G replaced by A.
Protein change: p.Gly159Ser; replaces glycine 159 with serine.
Molecular consequence: missense variant.
Genome position (GRCh38, 1-based): chr16:28,844,995, C>T on the plus strand (G>A on the coding strand, the complement: TUFM is on the minus strand). VCF-style: chr16-28844995-C-T. GRCh37 (hg19) VCF-style: chr16-28856316-C-T.
Other names: c.475G>A, p.Gly159Ser (NM_001365360.2); short protein forms G159S.
Identifiers: ClinVar variation 2823053 (VCV002823053.3), dbSNP rs748583942, ClinGen allele CA7985628.
Genomic context (GRCh38, chr16:28,844,995, plus strand): 5'-CCCAGGCTCTGAGTACCTGTCTGGCCAGTAATAAGTGCTCTCGGGTCTGGGGCATGGGGC[C>T]GTCATTGGCTGCTACCACCAGGATGCAGCCGTCGAGGGGTGCAGTGCCTGTGATCATATT-3'
Protein context (NP_003312.3, residues 149-169): GCILVVAAND[Gly159Ser]PMPQTREHLL